The following is an entry in ClinVar:

NM_004999.4(MYO6):c.2170G>C (p.Asp724His)

Gene: MYO6 (myosin VI; plus strand). Cytogenetic location: 6q14.1.
Variant type: single nucleotide variant.
Coding change: c.2170G>C on transcript NM_004999.4 (MANE Select); coding-DNA position 2170, G replaced by C.
Protein change: p.Asp724His; replaces aspartic acid 724 with histidine.
Molecular consequence: missense variant. On other transcripts: non-coding transcript variant (1).
Genome position (GRCh38, 1-based): chr6:75,879,912, G>C. VCF-style: chr6-75879912-G-C. GRCh37 (hg19) VCF-style: chr6-76589629-G-C.
Other names: c.2155G>C, p.Asp719His (NM_001368138.1); c.2170G>C, p.Asp724His (NM_001368865.1, NM_001368866.1, NM_001300899.2 and 2 more transcripts); short protein forms D724H, D719H.
Identifiers: ClinVar variation 45142 (VCV000045142.5), dbSNP rs397517046, ClinGen allele CA135605.
Genomic context (GRCh38, chr6:75,879,912, plus strand): 5'-GGTTACCCATCACGAGCTTCATTTCATGAACTCTACAACATGTACAAAAAGTATATGCCA[G>C]ATAAACTTGCAAGATTGGATCCAAGACTATTTTGTAAGGTATAAATGCCACCCAAATTGA-3'
Protein context (NP_004990.3, residues 714-734): LYNMYKKYMP[Asp724His]KLARLDPRLF

ClinVar aggregate classification (germline): Likely benign (1 of 4 stars; one submission).

Submission:

Laboratory for Molecular Medicine, Mass General Brigham Personalized Medicine
Classification: Likely benign. Last evaluated: 2010-09-16. Review status: criteria provided, single submitter. Criteria: LMM Criteria. Collection method: clinical testing. Allele origin: germline. Observed: 1 variant allele.
Comment: Asp724His in exon 21 of MYO6: This variant is not expected to have clinical sign ificance because the Asp724 residue is not conserved in mammals or lower species .